The following is an entry in ClinVar:

ClinVar aggregate classification (germline): Uncertain significance (1 of 4 stars; one submission).

Allele frequency attached by ClinVar (database versions not stated): gnomAD 0.00001.

Submission:

Labcorp Genetics (formerly Invitae), Labcorp
Classification: Uncertain significance. Last evaluated: 2022-06-27. Review status: criteria provided, single submitter. Criteria: Invitae Variant Classification Sherloc (09022015). Collection method: clinical testing. Allele origin: germline.
Comment: ClinVar contains an entry for this variant (Variation ID: 1015697). Algorithms developed to predict the effect of missense changes on protein structure and function are either unavailable or do not agree on the potential impact of this missense change (SIFT: "Tolerated"; PolyPhen-2: "Not Available"; Align-GVGD: "Class C0"). In summary, the available evidence is currently insufficient to determine the role of this variant in disease. Therefore, it has been classified as a Variant of Uncertain Significance. This variant has not been reported in the literature in individuals affected with HMX1-related conditions. This sequence change replaces glutamic acid, which is acidic and polar, with lysine, which is basic and polar, at codon 43 of the HMX1 protein (p.Glu43Lys). This variant is present in population databases (no rsID available, gnomAD 0.01%).

NM_018942.3(HMX1):c.127G>A (p.Glu43Lys)

Gene: HMX1 (H6 family homeobox 1; minus strand). Cytogenetic location: 4p16.1.
Variant type: single nucleotide variant.
Coding change: c.127G>A on transcript NM_018942.3 (MANE Select); coding-DNA position 127, G replaced by A.
Protein change: p.Glu43Lys; replaces glutamic acid 43 with lysine.
Molecular consequence: missense variant.
Genome position (GRCh38, 1-based): chr4:8,871,488, C>T on the plus strand (G>A on the coding strand, the complement: HMX1 is on the minus strand). VCF-style: chr4-8871488-C-T. GRCh37 (hg19) VCF-style: chr4-8873214-C-T.
Other names: c.127G>A, p.Glu43Lys (NM_001306142.2); short protein forms E43K.
Identifiers: ClinVar variation 1015697 (VCV001015697.8), dbSNP rs1207239613, ClinGen allele CA356279316.
Genomic context (GRCh38, chr4:8,871,488, plus strand): 5'-GCCGCCGCGCCTGCTCGGCGTCCTCGTCTTCGGGGTCGTCGTCGTCCTCCTCCTCGTCCT[C>T]CCGGCTGCCGTCGCCCTGGGTCGCGCGCCCTGCGCCCTTGGCCTCGGCCGCCAGCAGGTT-3'
Protein context (NP_061815.2, residues 33-53): GRATQGDGSR[Glu43Lys]DEEEDDDDPE